The following is an entry in ClinVar:

NM_001103.4(ACTN2):c.1271T>C (p.Leu424Ser)

Gene: ACTN2 (actinin alpha 2; plus strand). Cytogenetic location: 1q43.
Variant type: single nucleotide variant.
Coding change: c.1271T>C on transcript NM_001103.4 (MANE Select); coding-DNA position 1271, T replaced by C.
Protein change: p.Leu424Ser; replaces leucine 424 with serine.
Molecular consequence: missense variant.
Genome position (GRCh38, 1-based): chr1:236,744,641, T>C. VCF-style: chr1-236744641-T-C. GRCh37 (hg19) VCF-style: chr1-236907941-T-C.
Other names: c.1271T>C, p.Leu424Ser (NM_001278343.2); c.647T>C, p.Leu216Ser (NM_001278344.2); c.521T>C, p.Leu174Ser (NM_001412150.1); short protein forms L216S, L424S, L174S.
Identifiers: ClinVar variation 1765619 (VCV001765619.2), dbSNP rs760877237, ClinGen allele CA1473106.

ClinVar aggregate classification (germline): Uncertain significance (1 of 4 stars; one submission).

Conditions:
Cardiovascular phenotype. Identifiers: MedGen CN230736.

Allele frequency attached by ClinVar (database versions not stated): gnomAD 0.00001; gnomAD exomes 0.00001; ExAC 0.00002.
gnomAD v4.1: 4 of 1,614,060 alleles (0.00025%); highest among the groups gnomAD compares: Non-Finnish European, 0.00025%; no homozygotes.

Submission:

Ambry Genetics
Classification: Uncertain significance for Cardiovascular phenotype. Last evaluated: 2022-04-06. Review status: criteria provided, single submitter. Criteria: Ambry Variant Classification Scheme 2023. Collection method: clinical testing. Allele origin: germline.
Comment: The p.L424S variant (also known as c.1271T>C), located in coding exon 12 of the ACTN2 gene, results from a T to C substitution at nucleotide position 1271. The leucine at codon 424 is replaced by serine, an amino acid with dissimilar properties. This amino acid position is conserved. In addition, this alteration is predicted to be deleterious by in silico analysis. Since supporting evidence is limited at this time, the clinical significance of this alteration remains unclear.